The following is an entry in ClinVar:

NM_000268.4(NF2):c.856A>G (p.Asn286Asp)

Gene: NF2 (NF2, moesin-ezrin-radixin like (MERLIN) tumor suppressor; plus strand). Cytogenetic location: 22q12.2.
Variant type: single nucleotide variant.
Coding change: c.856A>G on transcript NM_000268.4 (MANE Select); coding-DNA position 856, A replaced by G.
Protein change: p.Asn286Asp; replaces asparagine 286 with aspartic acid.
Molecular consequence: missense variant. On other transcripts: non-coding transcript variant (1), intron variant (1).
Genome position (GRCh38, 1-based): chr22:29,665,035, A>G. VCF-style: chr22-29665035-A-G. GRCh37 (hg19) VCF-style: chr22-30061024-A-G.
Other names: c.742A>G, p.Asn248Asp (NM_001407053.1, NM_001407056.1); c.733A>G, p.Asn245Asp (NM_001407054.1, NM_001407058.1, NM_181829.3); c.730A>G, p.Asn244Asp (NM_001407055.1, NM_181828.3); c.721A>G, p.Asn241Asp (NM_001407057.1, NM_001407059.1); c.856A>G, p.Asn286Asp (NM_001407060.1, NM_001407066.1, NM_016418.5 and 2 more transcripts); c.598A>G, p.Asn200Asp (NM_001407062.1); c.607A>G, p.Asn203Asp (NM_001407063.1, NM_001407064.1, NM_181830.3 and 1 more transcripts); c.322A>G, p.Asn108Asp (NM_001407065.1); and 2 more; short protein forms N248D, N286D, N200D, N241D, N245D, N203D, N209D, N108D.
Identifiers: ClinVar variation 4744413 (VCV004744413.1).

ClinVar aggregate classification (germline): Uncertain significance (1 of 4 stars; one submission).

Conditions:
Neurofibromatosis, type 2 (SWNV). Also called: BILATERAL ACOUSTIC NEUROFIBROMATOSIS; NF2-Related Schwannomatosis; SCHWANNOMATOSIS, VESTIBULAR. Identifiers: Orphanet 637, MedGen C0027832, MONDO:0007039, OMIM 101000. Disease mechanism: loss of function.

Submission:

Labcorp Genetics (formerly Invitae), Labcorp
Classification: Uncertain significance for Neurofibromatosis, type 2. Last evaluated: 2025-11-09. Review status: criteria provided, single submitter. Criteria: Invitae Variant Classification Sherloc (09022015). Collection method: clinical testing. Allele origin: germline.
Comment: This sequence change replaces asparagine, which is neutral and polar, with aspartic acid, which is acidic and polar, at codon 286 of the NF2 protein (p.Asn286Asp). This variant is not present in population databases (gnomAD no frequency). This variant has not been reported in the literature in individuals affected with NF2-related conditions. Invitae Evidence Modeling of protein sequence and biophysical properties (such as structural, functional, and spatial information, amino acid conservation, physicochemical variation, residue mobility, and thermodynamic stability) indicates that this missense variant is not expected to disrupt NF2 protein function with a negative predictive value of 80%. In summary, the available evidence is currently insufficient to determine the role of this variant in disease. Therefore, it has been classified as a Variant of Uncertain Significance.